The following is an entry in ClinVar:

NM_005732.4(RAD50):c.1141G>T (p.Asp381Tyr)

Gene: RAD50 (RAD50 double strand break repair protein; plus strand). Cytogenetic location: 5q31.1.
Variant type: single nucleotide variant.
Coding change: c.1141G>T on transcript NM_005732.4 (MANE Select); coding-DNA position 1141, G replaced by T.
Protein change: p.Asp381Tyr; replaces aspartic acid 381 with tyrosine.
Molecular consequence: missense variant.
Genome position (GRCh38, 1-based): chr5:132,588,776, G>T. VCF-style: chr5-132588776-G-T. GRCh37 (hg19) VCF-style: chr5-131924468-G-T.
Other names: short protein forms D381Y.
Identifiers: ClinVar variation 955692 (VCV000955692.11), dbSNP rs876659225, ClinGen allele CA360942632.

ClinVar aggregate classification (germline): Uncertain significance. Review status: criteria provided, multiple submitters, no conflicts (2 of 4 stars). 2 submissions from 2 submitters: Uncertain significance (2). Last evaluated 2023-07-03.

Conditions:
Hereditary cancer-predisposing syndrome. Also called: Hereditary neoplastic syndrome; Tumor predisposition; Neoplastic Syndromes, Hereditary; Hereditary Cancer Syndrome. Identifiers: Orphanet 140162, MedGen C0027672, MeSH D009386, MONDO:0015356.

Submissions (2):

Ambry Genetics
Classification: Uncertain significance for Hereditary cancer-predisposing syndrome. Last evaluated: 2023-07-03. Review status: criteria provided, single submitter. Criteria: Ambry Variant Classification Scheme 2023. Collection method: clinical testing. Allele origin: germline.
Comment: The p.D381Y variant (also known as c.1141G>T), located in coding exon 8 of the RAD50 gene, results from a G to T substitution at nucleotide position 1141. The aspartic acid at codon 381 is replaced by tyrosine, an amino acid with highly dissimilar properties. This amino acid position is conserved. In addition, the in silico prediction for this alteration is inconclusive. Since supporting evidence is limited at this time, the clinical significance of this alteration remains unclear.

Labcorp Genetics (formerly Invitae), Labcorp
Classification: Uncertain significance for Hereditary cancer-predisposing syndrome. Last evaluated: 2019-08-02. Review status: criteria provided, single submitter. Criteria: Invitae Variant Classification Sherloc (09022015). Collection method: clinical testing. Allele origin: germline.
Comment: This variant has not been reported in the literature in individuals with RAD50-related conditions. This variant is not present in population databases (ExAC no frequency). This sequence change replaces aspartic acid with tyrosine at codon 381 of the RAD50 protein (p.Asp381Tyr). The aspartic acid residue is moderately conserved and there is a large physicochemical difference between aspartic acid and tyrosine. Algorithms developed to predict the effect of missense changes on protein structure and function are either unavailable or do not agree on the potential impact of this missense change (SIFT: "Deleterious"; PolyPhen-2: "Possibly Damaging"; Align-GVGD: "Class C0"). In summary, the available evidence is currently insufficient to determine the role of this variant in disease. Therefore, it has been classified as a Variant of Uncertain Significance. Algorithms developed to predict the effect of sequence changes on RNA splicing suggest that this variant may create or strengthen a splice site, but this prediction has not been confirmed by published transcriptional studies.